The following is an entry in ClinVar:

NC_000006.11:g.(64574252_64694275)_(64791896_64940484)dup

Gene: EYS (EGF-like photoreceptor maintenance factor; minus strand). Cytogenetic location: 6q12.
Variant type: Duplication.
Identifiers: ClinVar variation 1804716 (VCV001804716.1).

ClinVar aggregate classification (germline): Likely pathogenic (1 of 4 stars; one submission).

Conditions:
Retinitis pigmentosa (RP). Identifiers: Orphanet 791, MedGen C0035334, MeSH D012174, MONDO:0019200, OMIM 268000. Inheritance: Autosomal dominant, autosomal recessive and X linked inheritance.

Submission:

Women's Health and Genetics/Laboratory Corporation of America, LabCorp
Classification: Likely pathogenic for Retinitis pigmentosa. Last evaluated: 2022-11-14. Review status: criteria provided, single submitter. Criteria: LabCorp Variant Classification Summary - May 2015. Collection method: clinical testing. Allele origin: germline.
Comment: Variant summary: The variant identified by MLPA or other technology involves the duplication of exons 32-35 in the EYS gene. A presumed nomenclature of c.(6424+1_6425-1)_(7055+1_7056-1)dup has been designated for the purposes of this classification. It has been assumed that this is a tandem duplication in direct orientation (Richardson_GIM_2018, Newman_AJHG_2015). Although exact breakpoints of this duplication are not known, it is expected to result in a frameshift in the EYS gene. The variant was absent in 21694 control chromosomes in the gnomAD database (Structural Variants dataset). The available data on variant occurrences in the general population are insufficient to allow any conclusion about variant significance. To our knowledge, no occurrence of c.(6424+1_6425-1)_(7055+1_7056-1)dup in individuals affected with Retinitis Pigmentosa and no experimental evidence demonstrating its impact on protein function have been published. One clinical diagnostic laboratory has submitted clinical-significance assessments for this variant to ClinVar after 2014 and classified the variant as pathogenic. Based on the evidence outlined above, the variant was classified as likely pathogenic.